The following is an entry in ClinVar:

NM_007129.5(ZIC2):c.106C>G (p.Gln36Glu)

Gene: ZIC2 (Zic family zinc finger 2; plus strand). Cytogenetic location: 13q32.3.
Variant type: single nucleotide variant.
Coding change: c.106C>G on transcript NM_007129.5 (MANE Select); coding-DNA position 106, C replaced by G.
Protein change: p.Gln36Glu; replaces glutamine 36 with glutamic acid.
Molecular consequence: missense variant.
Genome position (GRCh38, 1-based): chr13:99,982,170, C>G. VCF-style: chr13-99982170-C-G. GRCh37 (hg19) VCF-style: chr13-100634424-C-G.
Other names: short protein forms Q36E.
Identifiers: ClinVar variation 4795866 (VCV004795866.1).

ClinVar aggregate classification (germline): Likely benign (1 of 4 stars; one submission).

Conditions:
Holoprosencephaly 5 (HPE5). Identifiers: Orphanet 2162, MedGen C1864827, MONDO:0012322, OMIM 609637.

Submission:

Centre for Medical Genetics,  Mumbai
Classification: Likely benign for Holoprosencephaly 5. Last evaluated: 2026-02-18. Review status: criteria provided, single submitter. Criteria: ACMG Guidelines, 2015. Collection method: provider interpretation. Allele origin: germline. Inheritance: Autosomal dominant inheritance. Affected: no. Observed: 1 heterozygote.
Comment: The variant satisfies PM2 criteria; extremely low frequency in gnomAD population databases. The variant satisfies PM5 criteria; different amino acid change as a known pathogenic variant. The variant satisfies PP2 criteria; missense variant in a gene with low rate of benign missense mutations and for which missense mutation is a common mechanism of a disease. However, the variant satisfies BS2 criteria.

Literature cited by the submitters: PubMed 9771712.